The following is an entry in ClinVar:

ClinVar aggregate classification (germline): Benign/Likely benign. Review status: criteria provided, multiple submitters, no conflicts (2 of 4 stars). 3 submissions from 3 submitters: Benign (1); Likely benign (2). Last evaluated 2024-12-27.

Conditions:
Hereditary cancer-predisposing syndrome. Also called: Neoplastic Syndromes, Hereditary; Tumor predisposition; Hereditary neoplastic syndrome; Hereditary Cancer Syndrome. Identifiers: Orphanet 140162, MedGen C0027672, MeSH D009386, MONDO:0015356.
Hereditary nonpolyposis colorectal neoplasms. Identifiers: MedGen C0009405, MeSH D003123.
Lynch syndrome 5 (LYNCH5). Also called: Hereditary non-polyposis colorectal cancer, type 5; Colorectal cancer, hereditary nonpolyposis, type 5. Identifiers: Orphanet 144, MedGen C1833477, MONDO:0013710, OMIM 614350. Disease mechanism: loss of function.

Allele frequency attached by ClinVar (database versions not stated): gnomAD exomes below 0.00001.
gnomAD v4.1: 2 of 1,614,028 alleles (0.00012%); highest among the groups gnomAD compares: East Asian, 0.0022%; no homozygotes.

Submissions (3):

Myriad Genetics, Inc.
Classification: Benign for Lynch syndrome 5. Last evaluated: 2024-12-27. Review status: criteria provided, single submitter. Criteria: Myriad Autosomal Dominant, Autosomal Recessive and X-Linked Classification Criteria (2023). Collection method: clinical testing. Allele origin: unknown.
Comment: This variant is considered benign. This variant is a silent/synonymous amino acid change and it is not expected to impact splicing.

Labcorp Genetics (formerly Invitae), Labcorp
Classification: Likely benign for Hereditary nonpolyposis colorectal neoplasms. Last evaluated: 2024-07-27. Review status: criteria provided, single submitter. Criteria: Invitae Variant Classification Sherloc (09022015). Collection method: clinical testing. Allele origin: germline.

Color Diagnostics, LLC DBA Color Health
Classification: Likely benign for Hereditary cancer-predisposing syndrome. Last evaluated: 2024-04-15. Review status: criteria provided, single submitter. Criteria: ACMG Guidelines, 2015. Collection method: clinical testing. Allele origin: germline.

NM_000179.3(MSH6):c.1626C>T (p.Leu542=)

Gene: MSH6 (mutS homolog 6; plus strand). Cytogenetic location: 2p16.3.
Variant type: single nucleotide variant.
Coding change: c.1626C>T on transcript NM_000179.3 (MANE Select); coding-DNA position 1626, C replaced by T.
Protein change: p.Leu542=; no amino-acid change (leucine 542 retained).
Molecular consequence: synonymous variant. On other transcripts: non-coding transcript variant (4), intron variant (2).
Genome position (GRCh38, 1-based): chr2:47,799,609, C>T. VCF-style: chr2-47799609-C-T. GRCh37 (hg19) VCF-style: chr2-48026748-C-T.
Other names: c.1236C>T, p.Leu412= (NM_001281492.2); c.720C>T, p.Leu240= (NM_001281493.2, NM_001281494.2, NM_001406811.1 and 6 more transcripts); c.1722C>T, p.Leu574= (NM_001406795.1, NM_001406802.1); c.1626C>T, p.Leu542= (NM_001406796.1, NM_001406798.1, NM_001406800.1 and 3 more transcripts); c.1329C>T, p.Leu443= (NM_001406797.1, NM_001406801.1, NM_001406805.1 and 10 more transcripts); c.1101C>T, p.Leu367= (NM_001406799.1, NM_001406806.1, NM_001406807.1); c.1548C>T, p.Leu516= (NM_001406804.1); c.1632C>T, p.Leu544= (NM_001406813.1); and 3 more.
Identifiers: ClinVar variation 2697290 (VCV002697290.5), dbSNP rs2104356580, ClinGen allele CA426121435.
Genomic context (GRCh38, chr2:47,799,609, plus strand): 5'-GACTTACAGTGTGCTGGAAGGTGATCCCTCTGAGAACTACAGTAAGTATCTTCTTAGCCT[C>T]AAAGAAAAAGAGGAAGATTCTTCTGGCCATACTCGTGCATATGGTGTGTGCTTTGTTGAT-3'
Protein context (NP_000170.1, residues 532-552): SENYSKYLLS[Leu542=]KEKEEDSSGH